The following is an entry in ClinVar:

ClinVar aggregate classification (germline): Likely benign. Review status: criteria provided, multiple submitters, no conflicts (2 of 4 stars). 3 submissions from 3 submitters: Likely benign (3). Last evaluated 2026-07-01.

Conditions:
Familial thoracic aortic aneurysm and aortic dissection (TAAD). Also called: Thoracic aortic aneurysms and dissections. Identifiers: Orphanet 91387, MedGen C4707243, MONDO:0019625.
Aortic aneurysm, familial thoracic 7 (AAT7). Also called: AORTIC DISSECTION, FAMILIAL, WITH OR WITHOUT AORTIC ANEURYSM. Identifiers: MedGen C3151077, MONDO:0013418, OMIM 613780.

Allele frequency attached by ClinVar (database versions not stated): ExAC 0.00001; gnomAD 0.00002; gnomAD exomes 0.00002; TOPMed 0.00003.
gnomAD v4.1: 36 of 1,614,090 alleles (0.0022%); highest among the groups gnomAD compares: Admixed American, 0.0033%; no homozygotes.

Submissions (3):

CeGaT Center for Human Genetics Tuebingen
Classification: Likely benign. Last evaluated: 2026-07-01. Review status: criteria provided, single submitter. Criteria: CeGaT Center For Human Genetics Tuebingen Variant Classification Criteria Version 2. Collection method: clinical testing. Allele origin: germline. Affected: yes. Observed: 1 variant allele.
Comment: MYLK: BP4

Labcorp Genetics (formerly Invitae), Labcorp
Classification: Likely benign for Aortic aneurysm, familial thoracic 7. Last evaluated: 2025-03-05. Review status: criteria provided, single submitter. Criteria: Invitae Variant Classification Sherloc (09022015). Collection method: clinical testing. Allele origin: germline.

Ambry Genetics
Classification: Likely benign for Familial thoracic aortic aneurysm and aortic dissection. Last evaluated: 2025-02-01. Review status: criteria provided, single submitter. Criteria: Ambry Variant Classification Scheme 2023. Collection method: clinical testing. Allele origin: germline.

NM_053025.4(MYLK):c.2082C>T (p.Thr694=)

Gene: MYLK (myosin light chain kinase; minus strand). Cytogenetic location: 3q21.1.
Variant type: single nucleotide variant.
Coding change: c.2082C>T on transcript NM_053025.4 (MANE Select); coding-DNA position 2082, C replaced by T.
Protein change: p.Thr694=; no amino-acid change (threonine 694 retained).
Molecular consequence: synonymous variant.
Genome position (GRCh38, 1-based): chr3:123,708,756, G>A on the plus strand (C>T on the coding strand, the complement: MYLK is on the minus strand). VCF-style: chr3-123708756-G-A. GRCh37 (hg19) VCF-style: chr3-123427603-G-A.
Other names: c.2082C>T (NM_053025.3); c.1554C>T, p.Thr518= (NM_001321309.2); c.1875C>T, p.Thr625= (NM_053026.4, NM_053028.4); c.2082C>T, p.Thr694= (NM_053027.4).
Identifiers: ClinVar variation 1139946 (VCV001139946.11), dbSNP rs748694046, ClinGen allele CA068009.
Genomic context (GRCh38, chr3:123,708,756, plus strand): 5'-ACCTTGTACCGTGAGCACGGCCTGGGTGCGGACCTCTCCAGCGCTGTTCCAGGCCTCGCA[G>A]GTGTACGTGCCCGTGTCCTCCGGGAACACTTCCTGGATACAAAGGCTGTGCTGAGTTCCT-3'
Protein context (NP_444253.3, residues 684-704): EVFPEDTGTY[Thr694=]CEAWNSAGEV